The following is an entry in ClinVar:

NM_001363.5(DKC1):c.289C>A (p.Pro97Thr)

Gene: DKC1 (dyskerin pseudouridine synthase 1; plus strand). Cytogenetic location: Xq28.
Variant type: single nucleotide variant.
Coding change: c.289C>A on transcript NM_001363.5 (MANE Select); coding-DNA position 289, C replaced by A.
Protein change: p.Pro97Thr; replaces proline 97 with threonine.
Molecular consequence: missense variant. On other transcripts: non-coding transcript variant (3).
Genome position (GRCh38, 1-based): chrX:154,766,241, C>A. VCF-style: chrX-154766241-C-A. GRCh37 (hg19) VCF-style: chrX-153994516-C-A.
Other names: c.289C>A, p.Pro97Thr (NM_001142463.3, NM_001288747.2); short protein forms P97T.
Identifiers: ClinVar variation 452258 (VCV000452258.2), dbSNP rs1557264153, ClinGen allele CA414889586.
Genomic context (GRCh38, chrX:154,766,241, plus strand): 5'-GGGTGATACATTAATTTTTTTTTTTTCCATTCCAGGACAGGTTTCATTAATCTTGACAAG[C>A]CCTCTAACCCCTCTTCCCATGAGGTGGTAGCCTGGATTCGACGGATACTTCGGGTGGAGA-3'
Protein context (NP_001354.1, residues 87-107): IRTGFINLDK[Pro97Thr]SNPSSHEVVA

ClinVar aggregate classification (germline): Uncertain significance (1 of 4 stars; one submission).

Submission:

GeneDx
Classification: Uncertain significance. Last evaluated: 2017-09-18. Review status: criteria provided, single submitter. Criteria: GeneDx Variant Classification (06012015). Collection method: clinical testing. Allele origin: germline. Affected: yes.
Comment: The P97T variant in the DKC1 gene has not been reported previously as a pathogenic variant, nor as a benign variant, to our knowledge. The P97T variant is not observed in large population cohorts (Lek et al., 2016; 1000 Genomes Consortium et al., 2015; Exome Variant Server). The P97T variant is a non-conservative amino acid substitution, which is likely to impact secondary protein structure as these residues differ in polarity, charge, size and/or other properties. This substitution occurs at a position that is conserved across species. In silico analysis predicts this variant is probably damaging to the protein structure/function. We interpret P97T as a variant of uncertain significance.